The following is an entry in ClinVar:

ClinVar aggregate classification (germline): Uncertain significance (1 of 4 stars; one submission).

Conditions:
Oculocutaneous albinism type 1. Also called: Albinism 1; ALBINISM I. Identifiers: Orphanet 352731, MedGen C0268494, MONDO:0018135. Disease mechanism: loss of function.

gnomAD v4.1: 1 of 1,613,760 alleles (0.000062%); highest among the groups gnomAD compares: Non-Finnish European, 0.000085%; no homozygotes.

Submission:

Myriad Genetics, Inc.
Classification: Uncertain significance for Oculocutaneous albinism type 1. Last evaluated: 2025-10-16. Review status: criteria provided, single submitter. Criteria: Myriad Autosomal Dominant, Autosomal Recessive and X-Linked Classification Criteria (2023). Collection method: clinical testing. Allele origin: unknown.
Comment: NM_000372.4(TYR):c.994A>C(M332L) is a missense variant classified as a variant of uncertain significance in the context of oculocutaneous albinism, TYR-related. M332L has not been observed in cases with relevant disease. Relevant functional assessments of this variant are not available in the literature. M332L has not been observed in referenced population frequency databases. In summary, there is insufficient evidence to classify NM_000372.4(TYR):c.994A>C(M332L) as pathogenic or benign. Please note: this variant was assessed in the context of healthy population screening.

NM_000372.5(TYR):c.994A>C (p.Met332Leu)

Gene: TYR (tyrosinase; plus strand). Cytogenetic location: 11q14.3.
Variant type: single nucleotide variant.
Coding change: c.994A>C on transcript NM_000372.5 (MANE Select); coding-DNA position 994, A replaced by C.
Protein change: p.Met332Leu; replaces methionine 332 with leucine.
Molecular consequence: missense variant.
Genome position (GRCh38, 1-based): chr11:89,191,376, A>C. VCF-style: chr11-89191376-A-C. GRCh37 (hg19) VCF-style: chr11-88924544-A-C.
Other names: short protein forms M332L.
Identifiers: ClinVar variation 5004217 (VCV005004217.1).